The following is an entry in ClinVar:

NM_000075.4(CDK4):c.737G>T (p.Arg246Leu)

Genes: CDK4 (cyclin dependent kinase 4; minus strand), TSPAN31 (tetraspanin 31; plus strand). Cytogenetic location: 12q14.1.
Variant type: single nucleotide variant.
Coding change: c.737G>T on transcript NM_000075.4 (MANE Select); coding-DNA position 737, G replaced by T.
Protein change: p.Arg246Leu; replaces arginine 246 with leucine.
Molecular consequence: missense variant. On other transcripts: 3 prime UTR variant (3).
Genome position (GRCh38, 1-based): chr12:57,749,264, C>A on the plus strand (G>T on the coding strand, the complement: CDK4 is on the minus strand). VCF-style: chr12-57749264-C-A. GRCh37 (hg19) VCF-style: chr12-58143047-C-A.
Other names: c.*1974C>A (NM_001330168.2, NM_001330169.2, NM_005981.5); short protein forms R246L.
Identifiers: ClinVar variation 3572381 (VCV003572381.1).
Genomic context (GRCh38, chr12:57,749,264, plus strand): 5'-TCCTCCATCTCAGGTACCACCGACTGCACTGGGCGGGGCCCTCTGGGGGGAAAGGCTCCA[C>A]GGGGCAGGGATACATCTCGAGGCCAGTCATCCTCTGGAGGCAGCCCAATCAGGCTGTGGG-3'
Protein context (NP_000066.1, residues 236-256): DDWPRDVSLP[Arg246Leu]GAFPPRGPRP

ClinVar aggregate classification (germline): Uncertain significance (1 of 4 stars; one submission).

Submission:

Quest Diagnostics Nichols Institute San Juan Capistrano
Classification: Uncertain significance. Last evaluated: 2024-10-16. Review status: criteria provided, single submitter. Criteria: Quest Diagnostics criteria. Collection method: clinical testing. Allele origin: unknown.
Comment: The CDK4 c.737G>T (p.Arg246Leu) variant has not been reported in individuals with CDK4-related conditions in the published literature. It also has not been reported in large, multi-ethnic general populations (Genome Aggregation Database). Analysis of this variant using bioinformatics tools for the prediction of the effect of amino acid changes on protein structure and function yielded predictions that this variant is benign. Based on the available information, we are unable to determine the clinical significance of this variant.